The following is an entry in ClinVar:

ClinVar aggregate classification (germline): Likely benign (1 of 4 stars; one submission).

gnomAD v4.1: 268 of 1,231,670 alleles (0.022%); highest among the groups gnomAD compares: Middle Eastern, 0.25%; no homozygotes.

Submission:

CeGaT Center for Human Genetics Tuebingen
Classification: Likely benign. Last evaluated: 2025-01-01. Review status: criteria provided, single submitter. Criteria: CeGaT Center For Human Genetics Tuebingen Variant Classification Criteria Version 2. Collection method: clinical testing. Allele origin: germline. Affected: yes. Observed: 1 variant allele.
Comment: FBRSL1: BP4, BP7

NM_001382741.1(FBRSL1):c.1306C>A (p.Arg436=)

Gene: FBRSL1 (fibrosin like 1; plus strand). Cytogenetic location: 12q24.33.
Variant type: single nucleotide variant.
Coding change: c.1306C>A on transcript NM_001382741.1 (MANE Plus Clinical); coding-DNA position 1306, C replaced by A.
Protein change: p.Arg436=; no amino-acid change (arginine 436 retained).
Molecular consequence: synonymous variant. On other transcripts: non-coding transcript variant (1), intron variant (5).
Genome position (GRCh38, 1-based): chr12:132,509,982, C>A. VCF-style: chr12-132509982-C-A. GRCh37 (hg19) VCF-style: chr12-133086568-C-A.
Other names: c.1009C>A, p.Arg337= (NM_001382742.1); c.489+1632C>A (NM_001367871.1, NM_001382739.1, NM_001142641.2 and 2 more transcripts).
Identifiers: ClinVar variation 3771405 (VCV003771405.13).